The following is an entry in ClinVar:

ClinVar aggregate classification (germline): Uncertain significance. Review status: criteria provided, multiple submitters, no conflicts (2 of 4 stars). 4 submissions from 4 submitters: Uncertain significance (4). Last evaluated 2025-10-22.

Conditions:
Hereditary cancer-predisposing syndrome. Also called: Hereditary neoplastic syndrome; Tumor predisposition; Hereditary Cancer Syndrome; Neoplastic Syndromes, Hereditary. Identifiers: Orphanet 140162, MedGen C0027672, MeSH D009386, MONDO:0015356.
Ataxia-telangiectasia syndrome (AT). Also called: Cerebello-oculocutaneous telangiectasia; Immunodeficiency with ataxia telangiectasia; Ataxia telangiectasia (A-T); Ataxia-telangiectasia, complementation group E; LOUIS-BAR SYNDROME; Ataxia-telangiectasia. Identifiers: Orphanet 100, MedGen C0004135, MONDO:0008840, OMIM 208900.
Familial cancer of breast. Also called: hereditary breast carcinoma; BREAST CANCER, FAMILIAL; Hereditary breast cancer. Identifiers: Orphanet 227535, MedGen C0346153, MONDO:0016419, OMIM 114480. Disease mechanism: loss of function.

Allele frequency attached by ClinVar (database versions not stated): TOPMed below 0.00001; gnomAD 0.00001.
gnomAD v4.1: 1 of 1,613,828 alleles (0.000062%); highest among the groups gnomAD compares: Admixed American, 0.0017%; no homozygotes.

Submissions (4):

Ambry Genetics
Classification: Uncertain significance for Hereditary cancer-predisposing syndrome. Last evaluated: 2025-10-22. Review status: criteria provided, single submitter. Criteria: Ambry Variant Classification Scheme 2023. Collection method: clinical testing. Allele origin: germline.
Comment: The p.Q1627H variant (also known as c.4881G>T), located in coding exon 31 of the ATM gene, results from a G to T substitution at nucleotide position 4881. The glutamine at codon 1627 is replaced by histidine, an amino acid with highly similar properties. This amino acid position is highly conserved in available vertebrate species. In addition, the in silico prediction for this alteration is inconclusive. Since supporting evidence is limited at this time, the clinical significance of this alteration remains unclear.

Labcorp Genetics (formerly Invitae), Labcorp
Classification: Uncertain significance for Ataxia-telangiectasia syndrome. Last evaluated: 2025-02-25. Review status: criteria provided, single submitter. Criteria: Invitae Variant Classification Sherloc (09022015). Collection method: clinical testing. Allele origin: germline.
Comment: This sequence change replaces glutamine, which is neutral and polar, with histidine, which is basic and polar, at codon 1627 of the ATM protein (p.Gln1627His). This variant is not present in population databases (gnomAD no frequency). This variant has not been reported in the literature in individuals affected with ATM-related conditions. ClinVar contains an entry for this variant (Variation ID: 576494). Invitae Evidence Modeling of protein sequence and biophysical properties (such as structural, functional, and spatial information, amino acid conservation, physicochemical variation, residue mobility, and thermodynamic stability) indicates that this missense variant is not expected to disrupt ATM protein function with a negative predictive value of 95%. In summary, the available evidence is currently insufficient to determine the role of this variant in disease. Therefore, it has been classified as a Variant of Uncertain Significance.

Baylor Genetics
Classification: Uncertain significance for Familial cancer of breast. Last evaluated: 2024-03-05. Review status: criteria provided, single submitter. Criteria: ACMG Guidelines, 2015. Collection method: clinical testing. Allele origin: unknown.

Sema4
Classification: Uncertain significance for Hereditary cancer-predisposing syndrome. Last evaluated: 2021-10-22. Review status: criteria provided, single submitter. Criteria: Sema4 Curation Guidelines. Collection method: curation. Allele origin: germline.
Comment: The ATM c.4881G>T (p.Q1627H) variant has not been reported in the literature to our knowledge. It was not observed in the large and broad cohorts of the Genome Aggregation Database (PMID: 32461654). The variant has been reported in ClinVar (Variation ID 576494). Functional studies have not been performed, and in silico predictions of the variant's effect on protein function are inconclusive. The evidence is insufficient to meet ACMG/AMP criteria for classifying the variant as benign or pathogenic. Thus, the clinical significance of this variant is currently uncertain.

NM_000051.4(ATM):c.4881G>T (p.Gln1627His)

Gene: ATM (ATM serine/threonine kinase; plus strand). Cytogenetic location: 11q22.3.
Variant type: single nucleotide variant.
Coding change: c.4881G>T on transcript NM_000051.4 (MANE Select); coding-DNA position 4881, G replaced by T.
Protein change: p.Gln1627His; replaces glutamine 1627 with histidine.
Molecular consequence: missense variant.
Genome position (GRCh38, 1-based): chr11:108,295,031, G>T. VCF-style: chr11-108295031-G-T. GRCh37 (hg19) VCF-style: chr11-108165758-G-T.
Other names: c.4881G>T, p.Gln1627His (NM_001351834.2); short protein forms Q1627H.
Identifiers: ClinVar variation 576494 (VCV000576494.16), dbSNP rs1374689246, ClinGen allele CA382537167.